The following is an entry in ClinVar:

NM_080632.3(UPF3B):c.*7C>A

Gene: UPF3B (UPF3B regulator of nonsense mediated mRNA decay; minus strand). Cytogenetic location: Xq24.
Variant type: single nucleotide variant.
Coding change: c.*7C>A on transcript NM_080632.3 (MANE Select); 7 bases downstream of the stop codon, C replaced by A.
Molecular consequence: 3 prime UTR variant.
Genome position (GRCh38, 1-based): chrX:119,834,871, G>T on the plus strand (C>A on the coding strand, the complement: UPF3B is on the minus strand). VCF-style: chrX-119834871-G-T. GRCh37 (hg19) VCF-style: chrX-118968834-G-T.
Other names: c.*7C>A (NM_023010.4).
Identifiers: ClinVar variation 3344600 (VCV003344600.1).

ClinVar aggregate classification (germline): Likely benign (0 of 4 stars; one submission).

Conditions:
UPF3B-related disorder. Also called: UPF3B-related condition.

gnomAD v4.1: 16 of 1,210,751 alleles (0.0013%); highest among the groups gnomAD compares: South Asian, 0.028%; no homozygotes.

Submission:

PreventionGenetics, part of Exact Sciences
Classification: Likely benign for UPF3B-related condition. Last evaluated: 2020-03-03. Review status: no assertion criteria provided. Collection method: clinical testing. Allele origin: germline.
Comment: This variant is classified as likely benign based on ACMG/AMP sequence variant interpretation guidelines (Richards et al. 2015 PMID: 25741868, with internal and published modifications).